The following is an entry in ClinVar:

NM_001111067.4(ACVR1):c.*138G>A

Gene: ACVR1 (activin A receptor type 1; minus strand). Cytogenetic location: 2q24.1.
Variant type: single nucleotide variant.
Coding change: c.*138G>A on transcript NM_001111067.4 (MANE Select); 138 bases downstream of the stop codon, G replaced by A.
Molecular consequence: 3 prime UTR variant.
Genome position (GRCh38, 1-based): chr2:157,737,393, C>T on the plus strand (G>A on the coding strand, the complement: ACVR1 is on the minus strand). VCF-style: chr2-157737393-C-T. GRCh37 (hg19) VCF-style: chr2-158593905-C-T.
Other names: c.*138G>A (NM_001105.5, NM_001347663.1, NM_001347664.1 and 3 more transcripts).
Identifiers: ClinVar variation 331685 (VCV000331685.9), dbSNP rs2228948, ClinGen allele CA10611075.

ClinVar aggregate classification (germline): Benign. Review status: criteria provided, multiple submitters, no conflicts (2 of 4 stars). 4 submissions from 4 submitters: Benign (4). Last evaluated 2021-12-05.

Conditions:
Progressive myositis ossificans (FOP). Also called: Myositis ossificans progressiva; Progressive ossifying myositis; Fibrodysplasia Ossificans Progressiva. Identifiers: Orphanet 337, MedGen C0016037, MONDO:0007606, OMIM 135100.

Allele frequency attached by ClinVar (database versions not stated): 1000 Genomes Project 0.08207; 1000 Genomes Project 30x 0.08276; TOPMed 0.14270; gnomAD 0.16146 and 0.16631; gnomAD exomes 0.19961.
gnomAD v4.1: 221,406 of 1,142,828 alleles (19%); highest among the groups gnomAD compares: Non-Finnish European, 23%; 25,136 homozygotes.

Submissions (4):

Genome-Nilou Lab
Classification: Benign for Progressive myositis ossificans. Last evaluated: 2021-12-05. Review status: criteria provided, single submitter. Criteria: ACMG Guidelines, 2015. Collection method: clinical testing. Allele origin: germline. Affected: no.

GeneDx
Classification: Benign. Last evaluated: 2018-09-04. Review status: criteria provided, single submitter. Criteria: GeneDx Variant Classification Process June 2021. Collection method: clinical testing. Allele origin: germline. Affected: yes.

Illumina Laboratory Services, Illumina
Classification: Benign for Progressive myositis ossificans. Last evaluated: 2018-01-13. Review status: criteria provided, single submitter. Criteria: ICSL Variant Classification Criteria 13 December 2019. Collection method: clinical testing. Allele origin: germline.
Comment: This variant was observed in the ICSL laboratory as part of a predisposition screen in an ostensibly healthy population. It had not been previously curated by ICSL or reported in the Human Gene Mutation Database (HGMD: prior to June 1st, 2018), and was therefore a candidate for classification through an automated scoring system. Utilizing variant allele frequency, disease prevalence and penetrance estimates, and inheritance mode, an automated score was calculated to assess if this variant is too frequent to cause the disease. Based on the score and internal cut-off values, a variant classified as benign is not then subjected to further curation. The score for this variant resulted in a classification of benign for this disease.

Breakthrough Genomics
Classification: Benign. Review status: criteria provided, single submitter. Criteria: ACMG Guidelines, 2015. Collection method: not provided. Allele origin: germline. Inheritance: Autosomal dominant inheritance. Affected: yes.